The following is an entry in ClinVar:

NM_000038.6(APC):c.875T>G (p.Leu292Trp)

Gene: APC (APC regulator of Wnt signaling pathway; plus strand). Cytogenetic location: 5q22.2.
Variant type: single nucleotide variant.
Coding change: c.875T>G on transcript NM_000038.6 (MANE Select); coding-DNA position 875, T replaced by G.
Protein change: p.Leu292Trp; replaces leucine 292 with tryptophan.
Molecular consequence: missense variant. On other transcripts: non-coding transcript variant (2).
Genome position (GRCh38, 1-based): chr5:112,815,535, T>G. VCF-style: chr5-112815535-T-G. GRCh37 (hg19) VCF-style: chr5-112151232-T-G.
Other names: c.875T>G, p.Leu292Trp (NM_001127510.3, NM_001354895.2, NM_001354896.2 and 12 more transcripts); c.821T>G, p.Leu274Trp (NM_001127511.3); c.905T>G, p.Leu302Trp (NM_001354897.2, NM_001354902.2, NM_001407446.1); c.800T>G, p.Leu267Trp (NM_001354898.2, NM_001354904.2, NM_001407451.1); c.791T>G, p.Leu264Trp (NM_001354899.2, NM_001407452.1, NM_001407467.1 and 1 more transcripts); c.698T>G, p.Leu233Trp (NM_001354900.2, NM_001354901.2, NM_001354905.2 and 1 more transcripts); c.26T>G, p.Leu9Trp (NM_001354906.2, NM_001407470.1, NM_001407471.1 and 1 more transcripts); short protein forms L9W, L267W, L274W, L292W, L233W, L264W, L302W.
Identifiers: ClinVar variation 2876052 (VCV002876052.3), dbSNP rs876660439, ClinGen allele CA16023232.

ClinVar aggregate classification (germline): Uncertain significance (1 of 4 stars; one submission).

Conditions:
Familial adenomatous polyposis 1 (FAP1). Also called: FAMILIAL ADENOMATOUS POLYPOSIS 1, ATTENUATED; POLYPOSIS, ADENOMATOUS INTESTINAL. Identifiers: MedGen C2713442, MONDO:0021056, OMIM 175100. Disease mechanism: loss of function.

Submission:

Labcorp Genetics (formerly Invitae), Labcorp
Classification: Uncertain significance for Familial adenomatous polyposis 1. Last evaluated: 2023-02-25. Review status: criteria provided, single submitter. Criteria: Invitae Variant Classification Sherloc (09022015). Collection method: clinical testing. Allele origin: germline.
Comment: This sequence change replaces leucine, which is neutral and non-polar, with tryptophan, which is neutral and slightly polar, at codon 292 of the APC protein (p.Leu292Trp). This variant is not present in population databases (gnomAD no frequency). This variant has not been reported in the literature in individuals affected with APC-related conditions. Advanced modeling of protein sequence and biophysical properties (such as structural, functional, and spatial information, amino acid conservation, physicochemical variation, residue mobility, and thermodynamic stability) performed at Invitae indicates that this missense variant is not expected to disrupt APC protein function. In summary, the available evidence is currently insufficient to determine the role of this variant in disease. Therefore, it has been classified as a Variant of Uncertain Significance.